The following is an entry in ClinVar:

NM_001130144.3(LTBP3):c.2549G>A (p.Cys850Tyr)

Gene: LTBP3 (latent transforming growth factor beta binding protein 3; minus strand). Cytogenetic location: 11q13.1.
Variant type: single nucleotide variant.
Coding change: c.2549G>A on transcript NM_001130144.3 (MANE Select); coding-DNA position 2549, G replaced by A.
Protein change: p.Cys850Tyr; replaces cysteine 850 with tyrosine.
Molecular consequence: missense variant.
Genome position (GRCh38, 1-based): chr11:65,543,152, C>T on the plus strand (G>A on the coding strand, the complement: LTBP3 is on the minus strand). VCF-style: chr11-65543152-C-T. GRCh37 (hg19) VCF-style: chr11-65310623-C-T.
Other names: c.2198G>A, p.Cys733Tyr (NM_001164266.1); c.2549G>A, p.Cys850Tyr (NM_021070.4); short protein forms C850Y, C733Y.
Identifiers: ClinVar variation 2969849 (VCV002969849.3), dbSNP rs2496138311, ClinGen allele CA381269011.

ClinVar aggregate classification (germline): Uncertain significance (1 of 4 stars; one submission).

Conditions:
Brachyolmia-amelogenesis imperfecta syndrome. Also called: Tooth agenesis, selective, 6; Dental anomalies and short stature; PLATYSPONDYLY WITH AMELOGENESIS IMPERFECTA. Identifiers: Orphanet 2899, MedGen C1832594, MONDO:0011018, OMIM 601216. Disease mechanism: loss of function.

Allele frequency attached by ClinVar (database versions not stated): gnomAD exomes below 0.00001.
gnomAD v4.1: 1 of 1,614,174 alleles (0.000062%); highest among the groups gnomAD compares: Non-Finnish European, 0.000085%; no homozygotes.

Submission:

Labcorp Genetics (formerly Invitae), Labcorp
Classification: Uncertain significance for Brachyolmia-amelogenesis imperfecta syndrome. Last evaluated: 2023-04-09. Review status: criteria provided, single submitter. Criteria: Invitae Variant Classification Sherloc (09022015). Collection method: clinical testing. Allele origin: germline.
Comment: This variant has not been reported in the literature in individuals affected with LTBP3-related conditions. This variant is not present in population databases (gnomAD no frequency). This sequence change replaces cysteine, which is neutral and slightly polar, with tyrosine, which is neutral and polar, at codon 850 of the LTBP3 protein (p.Cys850Tyr). An algorithm developed to predict the effect of missense changes on protein structure and function (PolyPhen-2) suggests that this variant is likely to be disruptive. In summary, the available evidence is currently insufficient to determine the role of this variant in disease. Therefore, it has been classified as a Variant of Uncertain Significance.